The following is an entry in ClinVar:

NM_001042492.3(NF1):c.896T>C (p.Phe299Ser)

Gene: NF1 (neurofibromin 1; plus strand). Cytogenetic location: 17q11.2.
Variant type: single nucleotide variant.
Coding change: c.896T>C on transcript NM_001042492.3 (MANE Select); coding-DNA position 896, T replaced by C.
Protein change: p.Phe299Ser; replaces phenylalanine 299 with serine.
Molecular consequence: missense variant.
Genome position (GRCh38, 1-based): chr17:31,200,429, T>C. VCF-style: chr17-31200429-T-C. GRCh37 (hg19) VCF-style: chr17-29527447-T-C.
Other names: c.896T>C, p.Phe299Ser (NM_000267.4, NM_001128147.3); short protein forms F299S.
Identifiers: ClinVar variation 3634491 (VCV003634491.2).
Genomic context (GRCh38, chr17:31,200,429, plus strand): 5'-TGGAATAGAAGAAACTTCATATATTATCTTATCGCTATATTTGAATTCTGTAGAAGTTAT[T>C]TCTGGACAGTCTACGAAAAGCTCTTGCTGGCCATGGAGGAAGTAGGCAGCTGACAGAAAG-3'
Protein context (NP_001035957.1, residues 289-309): VDENNMNKKL[Phe299Ser]LDSLRKALAG

ClinVar aggregate classification (germline): Uncertain significance (1 of 4 stars; one submission).

Conditions:
Neurofibromatosis, type 1 (NF1). Also called: VON RECKLINGHAUSEN DISEASE; Peripheral type neurofibromatosis; NEUROFIBROMATOSIS, TYPE I, SOMATIC; Neurofibromatosis, type I. Identifiers: Orphanet 636, MedGen C0027831, MONDO:0018975, OMIM 162200. Disease mechanism: loss of function.

Submission:

Labcorp Genetics (formerly Invitae), Labcorp
Classification: Uncertain significance for Neurofibromatosis, type 1. Last evaluated: 2024-08-28. Review status: criteria provided, single submitter. Criteria: Invitae Variant Classification Sherloc (09022015). Collection method: clinical testing. Allele origin: germline.
Comment: This sequence change replaces phenylalanine, which is neutral and non-polar, with serine, which is neutral and polar, at codon 299 of the NF1 protein (p.Phe299Ser). This variant is not present in population databases (gnomAD no frequency). This variant has not been reported in the literature in individuals affected with NF1-related conditions. Invitae Evidence Modeling of protein sequence and biophysical properties (such as structural, functional, and spatial information, amino acid conservation, physicochemical variation, residue mobility, and thermodynamic stability) indicates that this missense variant is expected to disrupt NF1 protein function with a positive predictive value of 95%. In summary, the available evidence is currently insufficient to determine the role of this variant in disease. Therefore, it has been classified as a Variant of Uncertain Significance.